The following is an entry in ClinVar:

NM_000059.4(BRCA2):c.5563T>G (p.Ser1855Ala)

Gene: BRCA2 (BRCA2 DNA repair associated; plus strand). Cytogenetic location: 13q13.1.
Variant type: single nucleotide variant.
Coding change: c.5563T>G on transcript NM_000059.4 (MANE Select); coding-DNA position 5563, T replaced by G.
Protein change: p.Ser1855Ala; replaces serine 1855 with alanine.
Molecular consequence: missense variant.
Genome position (GRCh38, 1-based): chr13:32,339,918, T>G. VCF-style: chr13-32339918-T-G. GRCh37 (hg19) VCF-style: chr13-32914055-T-G.
Other names: c.5563T>G, p.Ser1855Ala (NM_001406719.1, NM_001406720.1); short protein forms S1855A.
Identifiers: ClinVar variation 1748322 (VCV001748322.4), dbSNP rs2137518630, ClinGen allele CA387785979.

ClinVar aggregate classification (germline): Conflicting classifications of pathogenicity. Review status: criteria provided, conflicting classifications (1 of 4 stars). 2 submissions from 2 submitters: Uncertain significance (1); Likely benign (1). Last evaluated 2023-03-23.

Conditions:
Hereditary cancer-predisposing syndrome. Also called: Hereditary Cancer Syndrome; Hereditary neoplastic syndrome; Neoplastic Syndromes, Hereditary; Tumor predisposition. Identifiers: Orphanet 140162, MedGen C0027672, MeSH D009386, MONDO:0015356.

Submissions (2):

University of Washington Department of Laboratory Medicine, University of Washington
Classification: Likely benign for Hereditary cancer-predisposing syndrome. Last evaluated: 2023-03-23. Review status: criteria provided, single submitter. Criteria: Dines et al. (Genet Med. 2020). Collection method: curation. Allele origin: germline.
Comment: Missense variant in a coldspot region where missense variants are very unlikely to be pathogenic (PMID:31911673).

BRCA2 exon 11 coldspot. Reclassification based on statistical prior probability.

Ambry Genetics
Classification: Uncertain significance for Hereditary cancer-predisposing syndrome. Last evaluated: 2022-05-05. Review status: criteria provided, single submitter. Criteria: Ambry Variant Classification Scheme 2023. Collection method: clinical testing. Allele origin: germline.
Comment: The p.S1855A variant (also known as c.5563T>G), located in coding exon 10 of the BRCA2 gene, results from a T to G substitution at nucleotide position 5563. The serine at codon 1855 is replaced by alanine, an amino acid with similar properties. This amino acid position is conserved. In addition, the in silico prediction for this alteration is inconclusive. Since supporting evidence is limited at this time, the clinical significance of this alteration remains unclear.